The following is an entry in ClinVar:

ClinVar aggregate classification (germline): Conflicting classifications of pathogenicity. Review status: criteria provided, conflicting classifications (1 of 4 stars). 5 submissions from 5 submitters: Uncertain significance (1); Likely benign (4). Last evaluated 2025-12-11.

Conditions:
Collagen 6-related myopathy. Identifiers: MedGen CN117976, MONDO:0100225.
Bethlem myopathy 1A. Also called: MYOPATHY, BENIGN CONGENITAL, WITH CONTRACTURES; Bethlem Muscular Dystrophy; Bethlem myopathy 1. Identifiers: Orphanet 610, MedGen CN029274, MONDO:0024530, OMIM 158810.

Allele frequency attached by ClinVar (database versions not stated): gnomAD 0.00004 and 0.00005; gnomAD exomes 0.00004 and 0.00005; ExAC 0.00006; TOPMed 0.00006; ESP Exome Variant Server 0.00008.
gnomAD v4.1: 76 of 1,613,976 alleles (0.0047%); highest among the groups gnomAD compares: Middle Eastern, 0.016%; no homozygotes.

Submissions (5):

Labcorp Genetics (formerly Invitae), Labcorp
Classification: Likely benign for Bethlem myopathy 1A. Last evaluated: 2025-12-11. Review status: criteria provided, single submitter. Criteria: Invitae Variant Classification Sherloc (09022015). Collection method: clinical testing. Allele origin: germline.

Blueprint Genetics
Classification: Likely benign. Last evaluated: 2024-11-18. Review status: criteria provided, single submitter. Criteria: ACMG Guidelines, 2015. Collection method: clinical testing. Allele origin: germline.

CeGaT Center for Human Genetics Tuebingen
Classification: Likely benign. Last evaluated: 2023-03-01. Review status: criteria provided, single submitter. Criteria: CeGaT Center For Human Genetics Tuebingen Variant Classification Criteria Version 2. Collection method: clinical testing. Allele origin: germline. Affected: yes. Observed: 1 variant allele.
Comment: COL6A3: BP4, BP7

Illumina Laboratory Services, Illumina
Classification: Likely benign for Collagen VI-related myopathy. Last evaluated: 2018-01-13. Review status: criteria provided, single submitter. Criteria: ICSL Variant Classification Criteria 13 December 2019. Collection method: clinical testing. Allele origin: germline.
Comment: This variant was observed in the ICSL laboratory as part of a predisposition screen in an ostensibly healthy population. It had not been previously curated by ICSL or reported in the Human Gene Mutation Database (HGMD: prior to June 1st, 2018), and was therefore a candidate for classification through an automated scoring system. Utilizing variant allele frequency, disease prevalence and penetrance estimates, and inheritance mode, an automated score was calculated to assess if this variant is too frequent to cause the disease. Based on the score and internal cut-off values, a variant classified as likely benign is not then subjected to further curation. The score for this variant resulted in a classification of likely benign for this disease.

Eurofins Ntd Llc (ga)
Classification: Uncertain significance. Last evaluated: 2017-01-20. Review status: criteria provided, single submitter. Criteria: EGL Classification Definitions 2015. Collection method: clinical testing. Allele origin: germline. Observed: 1 variant allele, 1 heterozygote.

NM_004369.4(COL6A3):c.285G>A (p.Thr95=)

Gene: COL6A3 (collagen type VI alpha 3 chain; minus strand). Cytogenetic location: 2q37.3.
Variant type: single nucleotide variant.
Coding change: c.285G>A on transcript NM_004369.4 (MANE Select); coding-DNA position 285, G replaced by A.
Protein change: p.Thr95=; no amino-acid change (threonine 95 retained).
Molecular consequence: synonymous variant. On other transcripts: intron variant (4).
Genome position (GRCh38, 1-based): chr2:237,395,011, C>T on the plus strand (G>A on the coding strand, the complement: COL6A3 is on the minus strand). VCF-style: chr2-237395011-C-T. GRCh37 (hg19) VCF-style: chr2-238303654-C-T.
Other names: c.91+1716G>A (NM_057166.5, NM_057167.4, NM_057164.5 and 1 more transcripts).
Identifiers: ClinVar variation 500013 (VCV000500013.49), dbSNP rs373435541, ClinGen allele CA2189898.